The following is an entry in ClinVar:

ClinVar aggregate classification (germline): Likely benign. Review status: criteria provided, multiple submitters, no conflicts (2 of 4 stars). 4 submissions from 4 submitters: Likely benign (2). 2 of the submissions do not count toward it. Last evaluated 2026-09-01.

Allele frequency attached by ClinVar (database versions not stated): 1000 Genomes Project 0.00100; 1000 Genomes Project 30x 0.00109; ExAC 0.00113; ESP Exome Variant Server 0.00123; gnomAD exomes 0.00125 and 0.00208; TOPMed 0.00127; gnomAD 0.00132 and 0.00133.
gnomAD v4.1: 3,185 of 1,613,846 alleles (0.2%); highest among the groups gnomAD compares: Non-Finnish European, 0.24%; 6 homozygotes.

Submissions (5):

CeGaT Center for Human Genetics Tuebingen
Classification: Likely benign. Last evaluated: 2026-09-01. Review status: criteria provided, single submitter. Criteria: CeGaT Center For Human Genetics Tuebingen Variant Classification Criteria Version 2. Collection method: clinical testing. Allele origin: germline. Affected: yes. Observed: 2 variant alleles.
Comment: PTPN14: BP4

Breakthrough Genomics
Classification: Likely benign. Review status: criteria provided, single submitter. Criteria: ACMG Guidelines, 2015. Collection method: not provided. Allele origin: germline. Inheritance: Autosomal recessive inheritance. Affected: yes.

Clinical Genetics, Academic Medical Center
Classification: Benign. Review status: no assertion criteria provided. Collection method: clinical testing. Allele origin: germline. Affected: yes. Study: VKGL Data-share Consensus. Not counted in ClinVar's aggregate classification.

Dr. Peter K. Rogan Lab, Western University
No classification provided (evidence only). Condition: Ovarian cancer. Review status: no classification provided. Collection method: in vitro. Allele origin: not applicable. Functional consequence: retained intron. Not counted in ClinVar's aggregate classification.

Laboratory of Diagnostic Genome Analysis, Leiden University Medical Center (LUMC)
Classification: Likely benign. Review status: no assertion criteria provided. Collection method: clinical testing. Allele origin: germline. Affected: yes. Study: VKGL Data-share Consensus. Not counted in ClinVar's aggregate classification.

NM_005401.5(PTPN14):c.581+5G>A

Gene: PTPN14 (protein tyrosine phosphatase non-receptor type 14; minus strand). Cytogenetic location: 1q41.
Variant type: single nucleotide variant.
Coding change: c.581+5G>A on transcript NM_005401.5 (MANE Select); 5 bases into the intron after coding-DNA position 581, G replaced by A.
Molecular consequence: intron variant.
Genome position (GRCh38, 1-based): chr1:214,402,878, C>T on the plus strand (G>A on the coding strand, the complement: PTPN14 is on the minus strand). VCF-style: chr1-214402878-C-T. GRCh37 (hg19) VCF-style: chr1-214576221-C-T.
Other names: NC_000001.10:g.214576221C>T.
Identifiers: ClinVar variation 1206226 (VCV001206226.23), dbSNP rs143408016, ClinGen allele CA1389400.